The following is an entry in ClinVar:

ClinVar aggregate classification (germline): Pathogenic/Likely pathogenic. Review status: criteria provided, multiple submitters, no conflicts (2 of 4 stars). 3 submissions from 3 submitters: Pathogenic (2); Likely pathogenic (1). Last evaluated 2023-11-07.

Conditions:
Familial cancer of breast. Also called: BREAST CANCER, FAMILIAL; Hereditary breast cancer; hereditary breast carcinoma. Identifiers: Orphanet 227535, MedGen C0346153, MONDO:0016419, OMIM 114480. Disease mechanism: loss of function.
Hereditary cancer-predisposing syndrome. Also called: Hereditary Cancer Syndrome; Hereditary neoplastic syndrome; Neoplastic Syndromes, Hereditary; Tumor predisposition. Identifiers: Orphanet 140162, MedGen C0027672, MeSH D009386, MONDO:0015356.

Submissions (3):

Myriad Genetics, Inc.
Classification: Pathogenic for Familial cancer of breast. Last evaluated: 2023-11-07. Review status: criteria provided, single submitter. Criteria: Myriad Autosomal Dominant, Autosomal Recessive and X-Linked Classification Criteria (2023). Collection method: clinical testing. Allele origin: unknown.
Comment: This variant is considered pathogenic. This variant creates a termination codon and is predicted to result in premature protein truncation.

Ambry Genetics
Classification: Pathogenic for Hereditary cancer-predisposing syndrome. Last evaluated: 2023-05-12. Review status: criteria provided, single submitter. Criteria: Ambry Variant Classification Scheme 2023. Collection method: clinical testing. Allele origin: germline.
Comment: The p.Y2281* pathogenic mutation (also known as c.6843C>A), located in coding exon 46 of the ATM gene, results from a C to A substitution at nucleotide position 6843. This changes the amino acid from a tyrosine to a stop codon within coding exon 46. This variant is considered to be rare based on population cohorts in the Genome Aggregation Database (gnomAD). This alteration is expected to result in loss of function by premature protein truncation or nonsense-mediated mRNA decay. As such, this alteration is interpreted as a disease-causing mutation.

Baylor Genetics
Classification: Likely pathogenic for Familial cancer of breast. Last evaluated: 2022-12-26. Review status: criteria provided, single submitter. Criteria: ACMG Guidelines, 2015. Collection method: clinical testing. Allele origin: unknown.

NM_000051.4(ATM):c.6843C>A (p.Tyr2281Ter)

Genes: ATM (ATM serine/threonine kinase; plus strand), C11orf65 (chromosome 11 open reading frame 65; minus strand). Cytogenetic location: 11q22.3.
Variant type: single nucleotide variant.
Coding change: c.6843C>A on transcript NM_000051.4 (MANE Select); coding-DNA position 6843, C replaced by A.
Protein change: p.Tyr2281Ter; replaces tyrosine 2281 with a stop codon.
Molecular consequence: nonsense. On other transcripts: intron variant (2).
Genome position (GRCh38, 1-based): chr11:108,326,093, C>A. VCF-style: chr11-108326093-C-A. GRCh37 (hg19) VCF-style: chr11-108196820-C-A.
Other names: c.6843C>A, p.Tyr2281Ter (NM_001351834.2); c.641-17022G>T (NM_001330368.2); c.*38+9127G>T (NM_001351110.2); short protein forms Y2281*.
Identifiers: ClinVar variation 2568209 (VCV002568209.4), dbSNP rs1555119797, ClinGen allele CA382556649.